The following is an entry in ClinVar:

chr12:13090968..16310672 complex variant

Variant type: Complex.
Identifiers: ClinVar variation 254169 (VCV000254169.1).

ClinVar aggregate classification (germline): association (0 of 4 stars; one submission).

Conditions:
Carcinoma of colon (CRC). Also called: Colon carcinoma; Colonic carcinoma. Identifiers: MedGen C0699790, MONDO:0002032.

Submission:

Colorectal Cancer Research Lab, Singapore General Hospital
Classification: association for Colorectal cancer. Review status: no assertion criteria provided. Collection method: case-control. Allele origin: germline. Inheritance: Sporadic. Affected: yes.
Comment: Both copy number gain and loss in cases and rarely in controls.